The following is an entry in ClinVar:

NM_000059.4(BRCA2):c.631+1G>A

Gene: BRCA2 (BRCA2 DNA repair associated; plus strand). Cytogenetic location: 13q13.1.
Variant type: single nucleotide variant.
Coding change: c.631+1G>A on transcript NM_000059.4 (MANE Select); the canonical splice donor site of the intron after coding-DNA position 631, G replaced by A.
Molecular consequence: splice donor variant.
Genome position (GRCh38, 1-based): chr13:32,326,614, G>A. VCF-style: chr13-32326614-G-A. GRCh37 (hg19) VCF-style: chr13-32900751-G-A.
Other names: IVS7+1G>A; IVS7DS, G-A, +1; c.631+1G>A (NM_001406720.1, NM_001406719.1, NM_001406721.1); c.262+1G>A (NM_001406722.1).
Identifiers: ClinVar variation 9348 (VCV000009348.26), dbSNP rs81002897, ClinGen allele CA023848.

ClinVar aggregate classification (germline): Pathogenic. Review status: criteria provided, multiple submitters, no conflicts (2 of 4 stars). 11 submissions from 11 submitters: Pathogenic (7). 4 of the submissions do not count toward it. Last evaluated 2025-12-02.

Conditions:
Hereditary cancer-predisposing syndrome. Also called: Neoplastic Syndromes, Hereditary; Tumor predisposition; Hereditary neoplastic syndrome; Hereditary Cancer Syndrome. Identifiers: Orphanet 140162, MedGen C0027672, MeSH D009386, MONDO:0015356.
Hereditary breast ovarian cancer syndrome. Also called: Breast and ovarian cancer; Hereditary breast and/or ovarian cancer syndrome; Hereditary breast and ovarian cancer syndrome (HBOC); Hereditary breast and ovarian cancer; Hereditary breast and ovarian cancer syndrome; BRCA1- and BRCA2-Associated Hereditary Breast and Ovarian Cancer. Identifiers: Orphanet 145, MedGen C0677776, MeSH D061325, MONDO:0003582. Disease mechanism: loss of function.
Breast-ovarian cancer, familial, susceptibility to, 1 (BROVCA1). Also called: BRCA1 Hereditary Breast and Ovarian Cancer; OVARIAN CANCER, SUSCEPTIBILITY TO. Identifiers: Orphanet 145, MedGen C2676676, MONDO:0011450, OMIM 604370. Disease mechanism: loss of function.
Fanconi anemia complementation group D1. Also called: BRCA2-Related Fanconi Anemia. Identifiers: Orphanet 319462, MedGen C1838457, MONDO:0011584, OMIM 605724.
Breast-ovarian cancer, familial, susceptibility to, 2 (BROVCA2). Also called: BRCA2 Hereditary Breast and Ovarian Cancer. Identifiers: Orphanet 145, MedGen C2675520, MONDO:0012933, OMIM 612555. Disease mechanism: loss of function.

Allele frequency attached by ClinVar (database versions not stated): gnomAD exomes below 0.00001.
gnomAD v4.1: 1 of 1,576,430 alleles (0.000063%); highest among the groups gnomAD compares: Non-Finnish European, 0.000087%; no homozygotes.

Submissions (11):

Ambry Genetics
Classification: Pathogenic for Hereditary cancer-predisposing syndrome. Last evaluated: 2025-12-02. Review status: criteria provided, single submitter. Criteria: Ambry Variant Classification Scheme 2023. Collection method: clinical testing. Allele origin: germline.
Comment: The c.631+1G>A intronic pathogenic mutation results from a G to A substitution one nucleotide after coding exon 6 of the BRCA2 gene. This variant has been identified in the homozygous state and/or in conjunction with other BRCA2 variant(s) in individual(s) with features consistent with Fanconi anemia (Alter BP et al. J. Med. Genet. 2007; 44:1-9). This alteration was demonstrated by RT-PCR to result in aberrant splicing and skipping of exon 7 (coding exon 6) (Popp H et al. Cytogenet. Genome Res. 2003 ;103(1-2):54-7). Of note, this alteration is also known as IVS7+1G>A in published literature. Alterations that disrupt the canonical splice site are expected to cause aberrant splicing, resulting in an abnormal protein or a transcript that is subject to nonsense-mediated mRNA decay. As such, this alteration is classified as a disease-causing mutation. However, because this variant is identified in one or more patients with Fanconi anemia it may be hypomorphic and thus, carriers of this variant and their families may present with reduced risks, and not with the typical clinical characteristics of a high-risk pathogenic BRCA2 alteration. As risk estimates are unknown at this time, clinical correlation is advised.

Labcorp Genetics (formerly Invitae), Labcorp
Classification: Pathogenic for Hereditary breast ovarian cancer syndrome. Last evaluated: 2025-03-05. Review status: criteria provided, single submitter. Criteria: Invitae Variant Classification Sherloc (09022015). Collection method: clinical testing. Allele origin: germline.
Comment: This sequence change affects a donor splice site in intron 7 of the BRCA2 gene. It is expected to disrupt RNA splicing. Variants that disrupt the donor or acceptor splice site typically lead to a loss of protein function (PMID: 16199547), and loss-of-function variants in BRCA2 are known to be pathogenic (PMID: 20104584). This variant is not present in population databases (gnomAD no frequency). Disruption of this splice site has been observed in individual(s) with breast cancer and Fanconi anemia (FA) (PMID: 15004464, 16825431, 27393621). In at least one individual the data is consistent with being in trans (on the opposite chromosome) from a pathogenic variant. ClinVar contains an entry for this variant (Variation ID: 9348). Algorithms developed to predict the effect of sequence changes on RNA splicing suggest that this variant may disrupt the consensus splice site. For these reasons, this variant has been classified as Pathogenic.

GeneDx
Classification: Pathogenic. Last evaluated: 2023-10-04. Review status: criteria provided, single submitter. Criteria: GeneDx Variant Classification Process June 2021. Collection method: clinical testing. Allele origin: germline. Affected: yes.
Comment: Canonical splice variant demonstrated to cause aberrant splicing, resulting in majority out-of-frame skipping of exon 7 (Popp et al., 2003; Fraile-Bethencourt et al., 2019); Not observed at significant frequency in large population cohorts (gnomAD); In silico analysis supports a deleterious effect on splicing; Also known as 859+1G>A; This variant is associated with the following publications: (PMID: 25525159, 28490369, 29752822, 35864222, 15070707, 28152038, 28724667, 28993434, 29446198, 28888541, 31957001, 30702160, 20104584, 16825431, 31825140, 27393621, 15004464, 21719596, 32398771, 30883759)

Department of Molecular Diagnostics, Institute of Oncology Ljubljana
Classification: Pathogenic for Breast-ovarian cancer, familial, susceptibility to, 1. Last evaluated: 2020-04-02. Review status: criteria provided, single submitter. Criteria: ACMG Guidelines, 2015. Collection method: clinical testing. Allele origin: germline. Affected: yes.

Women's Health and Genetics/Laboratory Corporation of America, LabCorp
Classification: Pathogenic for Hereditary breast and ovarian cancer syndrome. Last evaluated: 2019-11-13. Review status: criteria provided, single submitter. Criteria: LabCorp Variant Classification Summary - May 2015. Collection method: clinical testing. Allele origin: germline.
Comment: Variant summary: BRCA2 c.631+1G>A is located in a canonical splice-site and is predicted to affect mRNA splicing resulting in a significantly altered protein due to either exon skipping, shortening, or inclusion of intronic material. Several computational tools predict a significant impact on normal splicing: five predict the variant abolishes a 5' splicing donor site. At least one publication reported experimental evidence that this variant affects mRNA splicing, and demonstrated an out-of-frame skipping of exon 7 in mRNA extracted from patient derived lympoid cell line (Popp_2003). The variant was absent in 250814 control chromosomes (gnomAD). The variant, c.631+1G>A, has been reported in the literature in compound heterozygosity with a premature terminating variant (Y1894X) in individuals who were affected with Fanconi anemia (Wagner_2004, Popp_2003, Alter_2007). The variant was also reported in heterozygosity in multiple individuals affected with Hereditary Breast and Ovarian Cancer (e.g. Rebbeck_2018, Bhaskaran_2019). These data indicate that the variant is very likely to be associated with disease. Four clinical diagnostic laboratories have submitted clinical-significance assessments for this variant to ClinVar after 2014 without evidence for independent evaluation. All laboratories classified the variant as pathogenic (n=3) or likely pathogenic (n=1). Based on the evidence outlined above, the variant was classified as pathogenic.

Quest Diagnostics Nichols Institute San Juan Capistrano
Classification: Pathogenic. Last evaluated: 2018-10-15. Review status: criteria provided, single submitter. Criteria: Quest Diagnostics criteria. Collection method: clinical testing. Allele origin: germline.
Comment: The variant disrupts a canonical splice site, and is therefore predicted to significantly disrupt the protein structure. Found in at least one symptomatic patient, and not found in general population data. Assessment of experimental evidence suggests this variant results in abnormal protein function.

Consortium of Investigators of Modifiers of BRCA1/2 (CIMBA), c/o University of Cambridge
Classification: Pathogenic for Breast-ovarian cancer, familial, susceptibility to, 2. Last evaluated: 2015-10-02. Review status: criteria provided, single submitter. Criteria: CIMBA Mutation Classification guidelines May 2016. Collection method: clinical testing. Allele origin: germline.

BRCAlab, Lund University
Classification: Pathogenic for Breast-ovarian cancer, familial, susceptibility to, 2. Last evaluated: 2020-03-02. Review status: no assertion criteria provided. Collection method: clinical testing. Allele origin: germline. Affected: yes. Not counted in ClinVar's aggregate classification.

Counsyl
Classification: Likely pathogenic for Breast-ovarian cancer, familial, susceptibility to, 2. Last evaluated: 2017-02-27. Review status: no assertion criteria provided. Collection method: clinical testing. Allele origin: unknown. Not counted in ClinVar's aggregate classification.

OMIM
Classification: Pathogenic for FANCONI ANEMIA, COMPLEMENTATION GROUP D1. Last evaluated: 2007-01-01. Review status: no assertion criteria provided. Collection method: literature only. Allele origin: germline. Not counted in ClinVar's aggregate classification.

Breast Cancer Information Core (BIC) (BRCA2)
Classification: Pathogenic for Breast-ovarian cancer, familial 2. Last evaluated: 2003-12-23. Review status: no assertion criteria provided. Collection method: clinical testing. Allele origin: germline. Affected: yes. Observed: 1 variant allele. Not counted in ClinVar's aggregate classification.

Literature cited by the submitters: PubMed 15004464 (cited by 5 submitters); PubMed 16825431 (cited by 6 submitters); PubMed 28724667 (cited by Ambry Genetics and Quest Diagnostics Nichols Institute San Juan Capistrano); PubMed 28993434 (cited by Ambry Genetics and Quest Diagnostics Nichols Institute San Juan Capistrano); PubMed 29752822 (cited by Ambry Genetics and Quest Diagnostics Nichols Institute San Juan Capistrano); PubMed 16199547 (cited by Labcorp Genetics (formerly Invitae), Labcorp); PubMed 20104584 (cited by Labcorp Genetics (formerly Invitae), Labcorp); PubMed 27393621 (cited by Labcorp Genetics (formerly Invitae), Labcorp and Quest Diagnostics Nichols Institute San Juan Capistrano); PubMed 15070707 (cited by 4 submitters); PubMed 29446198 (cited by Women's Health and Genetics/Laboratory Corporation of America, LabCorp); PubMed 30702160 (cited by Women's Health and Genetics/Laboratory Corporation of America, LabCorp); PubMed 25525159 (cited by Quest Diagnostics Nichols Institute San Juan Capistrano and Counsyl); PubMed 22962691 (cited by Counsyl); PubMed 23983145 (cited by Counsyl).